The following is an entry in ClinVar:

NM_001385641.1(SAMD11):c.2433T>C (p.Tyr811=)

Gene: SAMD11 (sterile alpha motif domain containing 11; plus strand). Cytogenetic location: 1p36.33.
Variant type: single nucleotide variant.
Coding change: c.2433T>C on transcript NM_001385641.1 (MANE Select); coding-DNA position 2433, T replaced by C.
Protein change: p.Tyr811=; no amino-acid change (tyrosine 811 retained).
Molecular consequence: synonymous variant.
Genome position (GRCh38, 1-based): chr1:944,051, T>C. VCF-style: chr1-944051-T-C. GRCh37 (hg19) VCF-style: chr1-879431-T-C.
Other names: c.2436T>C, p.Tyr812= (NM_001385640.1); c.1944T>C, p.Tyr648= (NM_152486.4); c.1944T>C (NM_152486.2).
Identifiers: ClinVar variation 1166842 (VCV001166842.12), dbSNP rs139717535, ClinGen allele CA503407.
Genomic context (GRCh38, chr1:944,051, plus strand): 5'-GGAGCGAGAACTCGGCACAGGAGAGCAGCCCTTGTCCCCCACGACGGCCACGTCCCCCTA[T>C]GGAGGGGGCCACGCCCTTGCCGGTCAAACTTCACCCAAGCAGGAGAATGGGACCTTGGCT-3'
Protein context (NP_001372570.1, residues 801-821): PLSPTTATSP[Tyr811=]GGGHALAGQT

ClinVar aggregate classification (germline): Benign/Likely benign. Review status: criteria provided, multiple submitters, no conflicts (2 of 4 stars). 4 submissions from 4 submitters: Benign (2); Likely benign (1). 1 of the submissions does not count toward it. Last evaluated 2026-01-22.

Conditions:
SAMD11-related disorder. Also called: SAMD11-related condition.

Allele frequency attached by ClinVar (database versions not stated): ESP Exome Variant Server 0.00369; TOPMed 0.00420; 1000 Genomes Project 30x 0.00547; 1000 Genomes Project 0.00559.
gnomAD v4.1: 1,230 of 1,612,674 alleles (0.076%); highest among the groups gnomAD compares: African/African-American, 1.3%; 6 homozygotes.

Submissions (4):

Labcorp Genetics (formerly Invitae), Labcorp
Classification: Benign. Last evaluated: 2026-01-22. Review status: criteria provided, single submitter. Criteria: Invitae Variant Classification Sherloc (09022015). Collection method: clinical testing. Allele origin: germline.

Blueprint Genetics
Classification: Likely benign. Last evaluated: 2024-11-25. Review status: criteria provided, single submitter. Criteria: ACMG Guidelines, 2015. Collection method: clinical testing. Allele origin: germline.

Breakthrough Genomics
Classification: Benign. Review status: criteria provided, single submitter. Criteria: ACMG Guidelines, 2015. Collection method: not provided. Allele origin: germline. Inheritance: Unknown mechanism. Affected: yes.

PreventionGenetics, part of Exact Sciences
Classification: Benign for SAMD11-related condition. Last evaluated: 2024-04-16. Review status: no assertion criteria provided. Collection method: clinical testing. Allele origin: germline. Not counted in ClinVar's aggregate classification.
Comment: This variant is classified as benign based on ACMG/AMP sequence variant interpretation guidelines (Richards et al. 2015 PMID: 25741868, with internal and published modifications).